The following is an entry in ClinVar:

NM_005045.4(RELN):c.4657T>C (p.Ser1553Pro)

Gene: RELN (reelin; minus strand). Cytogenetic location: 7q22.1.
Variant type: single nucleotide variant.
Coding change: c.4657T>C on transcript NM_005045.4 (MANE Select); coding-DNA position 4657, T replaced by C.
Protein change: p.Ser1553Pro; replaces serine 1553 with proline.
Molecular consequence: missense variant.
Genome position (GRCh38, 1-based): chr7:103,566,691, A>G on the plus strand (T>C on the coding strand, the complement: RELN is on the minus strand). VCF-style: chr7-103566691-A-G. GRCh37 (hg19) VCF-style: chr7-103207138-A-G.
Other names: c.4657T>C, p.Ser1553Pro (NM_173054.3); short protein forms S1553P.
Identifiers: ClinVar variation 4787521 (VCV004787521.1).
Genomic context (GRCh38, chr7:103,566,691, plus strand): 5'-TTGCAGGTGTCTTCGCGTCCTGTGGCAGGTCAATGGAAATGATCTGTGGTTCCAGGAAGG[A>G]CATGAAGTCCAACTCTCGAAGCAAATGCCAGAGTATCCCATTGTCATTTGAATACTGAAC-3'
Protein context (NP_005036.2, residues 1543-1563): WHLLRELDFM[Ser1553Pro]FLEPQIISID

ClinVar aggregate classification (germline): Uncertain significance (1 of 4 stars; one submission).

Conditions:
Norman-Roberts syndrome (LIS2). Also called: Lissencephaly 2 (Norman-Roberts type). Identifiers: Orphanet 89844, MedGen C0796089, MONDO:0009760, OMIM 257320.
Familial temporal lobe epilepsy 7. Identifiers: Orphanet 101046, MedGen C4225327, MONDO:0014639, OMIM 616436.

gnomAD v4.1: 1 of 1,614,142 alleles (0.000062%); highest among the groups gnomAD compares: African/African-American, 0.0013%; no homozygotes.

Submission:

Labcorp Genetics (formerly Invitae), Labcorp
Classification: Uncertain significance for Familial temporal lobe epilepsy 7; Norman-Roberts syndrome. Last evaluated: 2025-05-02. Review status: criteria provided, single submitter. Criteria: Invitae Variant Classification Sherloc (09022015). Collection method: clinical testing. Allele origin: germline.
Comment: This sequence change replaces serine, which is neutral and polar, with proline, which is neutral and non-polar, at codon 1553 of the RELN protein (p.Ser1553Pro). This variant is not present in population databases (gnomAD no frequency). This variant has not been reported in the literature in individuals affected with RELN-related conditions. Invitae Evidence Modeling of protein sequence and biophysical properties (such as structural, functional, and spatial information, amino acid conservation, physicochemical variation, residue mobility, and thermodynamic stability) indicates that this missense variant is not expected to disrupt RELN protein function with a negative predictive value of 80%. In summary, the available evidence is currently insufficient to determine the role of this variant in disease. Therefore, it has been classified as a Variant of Uncertain Significance.